The following is an entry in ClinVar:

ClinVar aggregate classification (germline): Likely benign. Review status: criteria provided, multiple submitters, no conflicts (2 of 4 stars). 3 submissions from 3 submitters: Likely benign (3). Last evaluated 2025-02-15.

Conditions:
Hereditary cancer-predisposing syndrome. Also called: Hereditary Cancer Syndrome; Neoplastic Syndromes, Hereditary; Tumor predisposition; Hereditary neoplastic syndrome. Identifiers: Orphanet 140162, MedGen C0027672, MeSH D009386, MONDO:0015356.

Allele frequency attached by ClinVar (database versions not stated): gnomAD below 0.00001 and 0.00003; gnomAD exomes 0.00005; ExAC 0.00007; 1000 Genomes Project 30x 0.00016; 1000 Genomes Project 0.00020.
gnomAD v4.1: 72 of 1,613,866 alleles (0.0045%); highest among the groups gnomAD compares: South Asian, 0.074%; no homozygotes.

Submissions (3):

Labcorp Genetics (formerly Invitae), Labcorp
Classification: Likely benign. Last evaluated: 2025-02-15. Review status: criteria provided, single submitter. Criteria: Invitae Variant Classification Sherloc (09022015). Collection method: clinical testing. Allele origin: germline.

Ambry Genetics
Classification: Likely benign for Hereditary cancer-predisposing syndrome. Last evaluated: 2021-07-30. Review status: criteria provided, single submitter. Criteria: Ambry Variant Classification Scheme 2023. Collection method: clinical testing. Allele origin: germline.

GeneDx
Classification: Likely benign. Last evaluated: 2017-11-13. Review status: criteria provided, single submitter. Criteria: GeneDx Variant Classification (06012015). Collection method: clinical testing. Allele origin: germline. Affected: yes.
Comment: This variant is considered likely benign or benign based on one or more of the following criteria: it is a conservative change, it occurs at a poorly conserved position in the protein, it is predicted to be benign by multiple in silico algorithms, and/or has population frequency not consistent with disease.

NM_005431.2(XRCC2):c.21G>A (p.Arg7=)

Gene: XRCC2 (X-ray repair cross complementing 2; minus strand). Cytogenetic location: 7q36.1.
Variant type: single nucleotide variant.
Coding change: c.21G>A on transcript NM_005431.2 (MANE Select); coding-DNA position 21, G replaced by A.
Protein change: p.Arg7=; no amino-acid change (arginine 7 retained).
Molecular consequence: synonymous variant.
Genome position (GRCh38, 1-based): chr7:152,676,059, C>T on the plus strand (G>A on the coding strand, the complement: XRCC2 is on the minus strand). VCF-style: chr7-152676059-C-T. GRCh37 (hg19) VCF-style: chr7-152373144-C-T.
Identifiers: ClinVar variation 513404 (VCV000513404.12), dbSNP rs531499084, ClinGen allele CA4582447.